The following is an entry in ClinVar:

ClinVar aggregate classification (germline): Uncertain significance. Review status: criteria provided, multiple submitters, no conflicts (2 of 4 stars). 2 submissions from 2 submitters: Uncertain significance (2). Last evaluated 2024-10-04.

Conditions:
Inborn genetic diseases. Identifiers: MedGen C0950123, MeSH D030342.

Allele frequency attached by ClinVar (database versions not stated): gnomAD exomes below 0.00001; TOPMed below 0.00001; ExAC 0.00001.
gnomAD v4.1: 6 of 1,613,498 alleles (0.00037%); highest among the groups gnomAD compares: South Asian, 0.0055%; no homozygotes.

Submissions (2):

Ambry Genetics
Classification: Uncertain significance for Inborn genetic diseases. Last evaluated: 2024-10-04. Review status: criteria provided, single submitter. Criteria: Ambry Variant Classification Scheme 2023. Collection method: clinical testing. Allele origin: germline.

Athena Diagnostics
Classification: Uncertain significance. Last evaluated: 2023-05-03. Review status: criteria provided, single submitter. Criteria: Athena Diagnostics Criteria. Collection method: clinical testing. Allele origin: unknown.
Comment: Available data are insufficient to determine the clinical significance of the variant at this time. The frequency of this variant in the general population is uninformative in assessment of its pathogenicity. Computational tools predict that this variant is damaging.

NM_022464.5(SIL1):c.1100T>C (p.Val367Ala)

Gene: SIL1 (SIL1 nucleotide exchange factor; minus strand). Cytogenetic location: 5q31.2.
Variant type: single nucleotide variant.
Coding change: c.1100T>C on transcript NM_022464.5 (MANE Select); coding-DNA position 1100, T replaced by C.
Protein change: p.Val367Ala; replaces valine 367 with alanine.
Molecular consequence: missense variant.
Genome position (GRCh38, 1-based): chr5:138,947,403, A>G on the plus strand (T>C on the coding strand, the complement: SIL1 is on the minus strand). VCF-style: chr5-138947403-A-G. GRCh37 (hg19) VCF-style: chr5-138283092-A-G.
Other names: c.1100T>C, p.Val367Ala (NM_001037633.2); short protein forms V367A.
Identifiers: ClinVar variation 2684382 (VCV002684382.2), dbSNP rs775864418, ClinGen allele CA3432367.